The following is an entry in ClinVar:

NM_001385079.1(PDE10A):c.1798T>C (p.Phe600Leu)

Gene: PDE10A (phosphodiesterase 10A; minus strand). Cytogenetic location: 6q27.
Variant type: single nucleotide variant.
Coding change: c.1798T>C on transcript NM_001385079.1 (MANE Select); coding-DNA position 1798, T replaced by C.
Protein change: p.Phe600Leu; replaces phenylalanine 600 with leucine.
Molecular consequence: missense variant.
Genome position (GRCh38, 1-based): chr6:165,416,280, A>G on the plus strand (T>C on the coding strand, the complement: PDE10A is on the minus strand). VCF-style: chr6-165416280-A-G. GRCh37 (hg19) VCF-style: chr6-165829768-A-G.
Other names: c.1000T>C, p.Phe334Leu (NM_001130690.3); c.970T>C, p.Phe324Leu (NM_006661.4); short protein forms F334L, F324L, F600L.
Identifiers: ClinVar variation 225635 (VCV000225635.3), dbSNP rs875989840, ClinGen allele CA10576040.
Genomic context (GRCh38, chr6:165,416,280, plus strand): 5'-GAATGTTCAGGACTTCCCCTGTTCTTGCTACTTGGCCAGCAATTCCTTTCTCAATTGAAA[A>G]TCTGCATATGTAAAAGAGAAGGACATGCTAATTAAAATATGGACTCTGTAGAATAATTCA-3'
Protein context (NP_001372008.1, residues 590-610): PVFKKTKEIR[Phe600Leu]SIEKGIAGQV

ClinVar aggregate classification (germline): Pathogenic. Review status: criteria provided, multiple submitters, no conflicts (2 of 4 stars). 3 submissions from 3 submitters: Pathogenic (2). 1 of the submissions does not count toward it. Last evaluated 2023-05-19.

Conditions:
Striatal degeneration, autosomal dominant 2 (ADSD2). Identifiers: MedGen C4310791, MONDO:0014835, OMIM 616922.

Submissions (3):

GeneDx
Classification: Pathogenic. Last evaluated: 2023-05-19. Review status: criteria provided, single submitter. Criteria: GeneDx Variant Classification Process June 2021. Collection method: clinical testing. Allele origin: germline. Affected: yes.
Comment: Published functional studies demonstrate a damaging effect as F334L showed little cAMP-induced PDE10A enzyme activity and interfered with PDE10A's ability to regulate cNMPs (Mencacci et al., 2016); Not observed at significant frequency in large population cohorts (gnomAD); This variant is associated with the following publications: (PMID: 28333917, 31871190, 34155691, 36003298, 36805523, 27058447, 28949041)

Labcorp Genetics (formerly Invitae), Labcorp
Classification: Pathogenic. Last evaluated: 2021-12-05. Review status: criteria provided, single submitter. Criteria: Invitae Variant Classification Sherloc (09022015). Collection method: clinical testing. Allele origin: germline.
Comment: This sequence change replaces phenylalanine, which is neutral and non-polar, with leucine, which is neutral and non-polar, at codon 334 of the PDE10A protein (p.Phe334Leu). This variant is not present in population databases (gnomAD no frequency). This missense change has been observed in individual(s) with PDE10A-related conditions (PMID: 27058447). In at least one individual the variant was observed to be de novo. ClinVar contains an entry for this variant (Variation ID: 225635). Algorithms developed to predict the effect of missense changes on protein structure and function are either unavailable or do not agree on the potential impact of this missense change (SIFT: "Deleterious"; PolyPhen-2: "Possibly Damaging"; Align-GVGD: "Class C15"). Experimental studies have shown that this missense change affects PDE10A function (PMID: 27058447). For these reasons, this variant has been classified as Pathogenic.

OMIM
Classification: Pathogenic for STRIATAL DEGENERATION, AUTOSOMAL DOMINANT 2. Last evaluated: 2016-04-29. Review status: no assertion criteria provided. Collection method: literature only. Allele origin: germline. Not counted in ClinVar's aggregate classification.

Literature cited by the submitters: PubMed 27058447 (cited by Labcorp Genetics (formerly Invitae), Labcorp and OMIM).